The following is an entry in ClinVar:

ClinVar aggregate classification (germline): Uncertain significance. Review status: criteria provided, multiple submitters, no conflicts (2 of 4 stars). 3 submissions from 3 submitters: Uncertain significance (3). Last evaluated 2025-06-17.

Conditions:
Inborn genetic diseases. Identifiers: MedGen C0950123, MeSH D030342.

Allele frequency attached by ClinVar (database versions not stated): ExAC 0.00001; gnomAD exomes 0.00001; gnomAD 0.00002; TOPMed 0.00003.

Submissions (3):

Ambry Genetics
Classification: Uncertain significance for Inborn genetic diseases. Last evaluated: 2025-06-17. Review status: criteria provided, single submitter. Criteria: Ambry Variant Classification Scheme 2023. Collection method: clinical testing. Allele origin: germline.

Blueprint Genetics
Classification: Uncertain significance. Last evaluated: 2024-09-09. Review status: criteria provided, single submitter. Criteria: ACMG Guidelines, 2015. Collection method: clinical testing. Allele origin: germline.

Labcorp Genetics (formerly Invitae), Labcorp
Classification: Uncertain significance. Last evaluated: 2024-03-04. Review status: criteria provided, single submitter. Criteria: Invitae Variant Classification Sherloc (09022015). Collection method: clinical testing. Allele origin: germline.
Comment: This sequence change replaces proline, which is neutral and non-polar, with leucine, which is neutral and non-polar, at codon 409 of the IMPG2 protein (p.Pro409Leu). This variant is present in population databases (rs777952275, gnomAD 0.004%). This variant has not been reported in the literature in individuals affected with IMPG2-related conditions. ClinVar contains an entry for this variant (Variation ID: 1926446). Advanced modeling of protein sequence and biophysical properties (such as structural, functional, and spatial information, amino acid conservation, physicochemical variation, residue mobility, and thermodynamic stability) performed at Invitae indicates that this missense variant is not expected to disrupt IMPG2 protein function with a negative predictive value of 80%. In summary, the available evidence is currently insufficient to determine the role of this variant in disease. Therefore, it has been classified as a Variant of Uncertain Significance.

NM_016247.4(IMPG2):c.1226C>T (p.Pro409Leu)

Gene: IMPG2 (interphotoreceptor matrix proteoglycan 2; minus strand). Cytogenetic location: 3q12.3.
Variant type: single nucleotide variant.
Coding change: c.1226C>T on transcript NM_016247.4 (MANE Select); coding-DNA position 1226, C replaced by T.
Protein change: p.Pro409Leu; replaces proline 409 with leucine.
Molecular consequence: missense variant.
Genome position (GRCh38, 1-based): chr3:101,253,709, G>A on the plus strand (C>T on the coding strand, the complement: IMPG2 is on the minus strand). VCF-style: chr3-101253709-G-A. GRCh37 (hg19) VCF-style: chr3-100972553-G-A.
Other names: c.1226C>T (NM_016247.3); short protein forms P409L.
Identifiers: ClinVar variation 1926446 (VCV001926446.7), dbSNP rs777952275, ClinGen allele CA2519244.